The following is an entry in ClinVar:

NM_001844.5(COL2A1):c.3055C>T (p.Pro1019Ser)

Gene: COL2A1 (collagen type II alpha 1 chain; minus strand). Cytogenetic location: 12q13.11.
Variant type: single nucleotide variant.
Coding change: c.3055C>T on transcript NM_001844.5 (MANE Select); coding-DNA position 3055, C replaced by T.
Protein change: p.Pro1019Ser; replaces proline 1019 with serine.
Molecular consequence: missense variant.
Genome position (GRCh38, 1-based): chr12:47,978,066, G>A on the plus strand (C>T on the coding strand, the complement: COL2A1 is on the minus strand). VCF-style: chr12-47978066-G-A. GRCh37 (hg19) VCF-style: chr12-48371849-G-A.
Other names: c.2848C>T, p.Pro950Ser (NM_033150.3); short protein forms P1019S, P950S.
Identifiers: ClinVar variation 2815289 (VCV002815289.3), dbSNP rs2540110577, ClinGen allele CA384540781.

ClinVar aggregate classification (germline): Uncertain significance (1 of 4 stars; one submission).

Allele frequency attached by ClinVar (database versions not stated): gnomAD exomes below 0.00001.
gnomAD v4.1: 2 of 1,613,832 alleles (0.00012%); highest among the groups gnomAD compares: Non-Finnish European, 0.00017%; no homozygotes.

Submission:

Labcorp Genetics (formerly Invitae), Labcorp
Classification: Uncertain significance. Last evaluated: 2022-11-19. Review status: criteria provided, single submitter. Criteria: Invitae Variant Classification Sherloc (09022015). Collection method: clinical testing. Allele origin: germline.
Comment: In summary, the available evidence is currently insufficient to determine the role of this variant in disease. Therefore, it has been classified as a Variant of Uncertain Significance. Advanced modeling of protein sequence and biophysical properties (such as structural, functional, and spatial information, amino acid conservation, physicochemical variation, residue mobility, and thermodynamic stability) performed at Invitae indicates that this missense variant is not expected to disrupt COL2A1 protein function. This variant has not been reported in the literature in individuals affected with COL2A1-related conditions. This variant is not present in population databases (gnomAD no frequency). This sequence change replaces proline, which is neutral and non-polar, with serine, which is neutral and polar, at codon 1019 of the COL2A1 protein (p.Pro1019Ser).